The following is an entry in ClinVar:

NM_017875.4(SLC25A38):c.655A>G (p.Thr219Ala)

Gene: SLC25A38 (solute carrier family 25 member 38; plus strand). Cytogenetic location: 3p22.1.
Variant type: single nucleotide variant.
Coding change: c.655A>G on transcript NM_017875.4 (MANE Select); coding-DNA position 655, A replaced by G.
Protein change: p.Thr219Ala; replaces threonine 219 with alanine.
Molecular consequence: missense variant. On other transcripts: intron variant (1).
Genome position (GRCh38, 1-based): chr3:39,394,439, A>G. VCF-style: chr3-39394439-A-G. GRCh37 (hg19) VCF-style: chr3-39435930-A-G.
Other names: c.655A>G (NM_017875.2); c.626-1959A>G (NM_001354798.2); short protein forms T219A.
Identifiers: ClinVar variation 1922267 (VCV001922267.3), dbSNP rs753815164, ClinGen allele CA2327527.

ClinVar aggregate classification (germline): Uncertain significance. Review status: criteria provided, multiple submitters, no conflicts (2 of 4 stars). 2 submissions from 2 submitters: Uncertain significance (2). Last evaluated 2025-12-03.

Conditions:
Inborn genetic diseases. Identifiers: MedGen C0950123, MeSH D030342.

Allele frequency attached by ClinVar (database versions not stated): ExAC 0.00001; gnomAD 0.00001; gnomAD exomes 0.00001; TOPMed 0.00001.
gnomAD v4.1: 6 of 1,613,322 alleles (0.00037%); highest among the groups gnomAD compares: Admixed American, 0.01%; no homozygotes.

Submissions (2):

Ambry Genetics
Classification: Uncertain significance for Inborn genetic diseases. Last evaluated: 2025-12-03. Review status: criteria provided, single submitter. Criteria: Ambry Variant Classification Scheme 2023. Collection method: clinical testing. Allele origin: germline.

Labcorp Genetics (formerly Invitae), Labcorp
Classification: Uncertain significance. Last evaluated: 2022-09-07. Review status: criteria provided, single submitter. Criteria: Invitae Variant Classification Sherloc (09022015). Collection method: clinical testing. Allele origin: germline.
Comment: This sequence change replaces threonine, which is neutral and polar, with alanine, which is neutral and non-polar, at codon 219 of the SLC25A38 protein (p.Thr219Ala). This variant is present in population databases (rs753815164, gnomAD 0.009%). This variant has not been reported in the literature in individuals affected with SLC25A38-related conditions. Algorithms developed to predict the effect of missense changes on protein structure and function output the following: SIFT: "Tolerated"; PolyPhen-2: "Benign"; Align-GVGD: "Class C0". The alanine amino acid residue is found in multiple mammalian species, which suggests that this missense change does not adversely affect protein function. In summary, the available evidence is currently insufficient to determine the role of this variant in disease. Therefore, it has been classified as a Variant of Uncertain Significance.